The following is an entry in ClinVar:

ClinVar aggregate classification (germline): Likely benign. Review status: criteria provided, multiple submitters, no conflicts (2 of 4 stars). 3 submissions from 3 submitters: Likely benign (3). Last evaluated 2025-11-03.

Conditions:
Neuronopathy, distal hereditary motor, autosomal recessive 4. Also called: NEUROPATHY, DISTAL HEREDITARY MOTOR, AUTOSOMAL RECESSIVE 4; Autosomal recessive lower motor neuron disease with childhood onset. Identifiers: Orphanet 206580, MedGen C1970211, MONDO:0012608, OMIM 611067.
Charcot-Marie-Tooth disease recessive intermediate C. Also called: CHARCOT-MARIE-TOOTH NEUROPATHY, RECESSIVE INTERMEDIATE C. Identifiers: Orphanet 369867, MedGen C3809309, MONDO:0014154, OMIM 615376.
Inborn genetic diseases. Identifiers: MedGen C0950123, MeSH D030342.

Allele frequency attached by ClinVar (database versions not stated): gnomAD 0.00001; gnomAD exomes 0.00001 and 0.00002; TOPMed 0.00002.

Submissions (3):

Labcorp Genetics (formerly Invitae), Labcorp
Classification: Likely benign for Neuronopathy, distal hereditary motor, autosomal recessive 4; Charcot-Marie-Tooth disease recessive intermediate C. Last evaluated: 2025-11-03. Review status: criteria provided, single submitter. Criteria: Invitae Variant Classification Sherloc (09022015). Collection method: clinical testing. Allele origin: germline.

Ambry Genetics
Classification: Likely benign for Inborn genetic diseases. Last evaluated: 2019-07-11. Review status: criteria provided, single submitter. Criteria: Ambry Variant Classification Scheme 2023. Collection method: clinical testing. Allele origin: germline.

GeneDx
Classification: Likely benign. Last evaluated: 2017-10-20. Review status: criteria provided, single submitter. Criteria: GeneDx Variant Classification (06012015). Collection method: clinical testing. Allele origin: germline. Affected: yes.
Comment: This variant is considered likely benign or benign based on one or more of the following criteria: it is a conservative change, it occurs at a poorly conserved position in the protein, it is predicted to be benign by multiple in silico algorithms, and/or has population frequency not consistent with disease.

NM_020631.6(PLEKHG5):c.1836G>A (p.Leu612=)

Gene: PLEKHG5 (pleckstrin homology and RhoGEF domain containing G5; minus strand). Cytogenetic location: 1p36.31.
Variant type: single nucleotide variant.
Coding change: c.1836G>A on transcript NM_020631.6 (MANE Select); coding-DNA position 1836, G replaced by A.
Protein change: p.Leu612=; no amino-acid change (leucine 612 retained).
Molecular consequence: synonymous variant.
Genome position (GRCh38, 1-based): chr1:6,469,641, C>T on the plus strand (G>A on the coding strand, the complement: PLEKHG5 is on the minus strand). VCF-style: chr1-6469641-C-T. GRCh37 (hg19) VCF-style: chr1-6529701-C-T.
Other names: c.1947G>A, p.Leu649= (NM_001042663.3, NM_001265592.2); c.1836G>A, p.Leu612= (NM_001042664.2, NM_001042665.2, NM_001265594.3 and 1 more transcripts); c.2043G>A, p.Leu681= (NM_001265593.2).
Identifiers: ClinVar variation 512877 (VCV000512877.12), dbSNP rs1026753861, ClinGen allele CA17235638.
Genomic context (GRCh38, chr1:6,469,641, plus strand): 5'-GAGCAGGGGTGGCCTGATGACCCTGGTCCTCTCTGCCTTCTTCACTGCTTTGGTCACCAA[C>T]AGCAGATCCGTGAAGAGGAAGCAGTACACATCCATCTGCAGTGGCAGGAGGGGGGGTGGC-3'
Protein context (NP_065682.2, residues 602-622): DVYCFLFTDL[Leu612=]LVTKAVKKAE